The following is an entry in ClinVar:

NM_001148.6(ANK2):c.9703C>T (p.Pro3235Ser)

Gene: ANK2 (ankyrin 2; plus strand). Cytogenetic location: 4q26.
Variant type: single nucleotide variant.
Coding change: c.9703C>T on transcript NM_001148.6 (MANE Select); coding-DNA position 9703, C replaced by T.
Protein change: p.Pro3235Ser; replaces proline 3235 with serine.
Molecular consequence: missense variant. On other transcripts: intron variant (68).
Genome position (GRCh38, 1-based): chr4:113,358,321, C>T. VCF-style: chr4-113358321-C-T. GRCh37 (hg19) VCF-style: chr4-114279477-C-T.
Other names: c.4364-2502C>T (NM_001386143.1, NM_001354243.2, NM_001354255.2); c.4265-2502C>T (NM_001354262.2, NM_001354275.2, NM_001354245.2); c.4202-2502C>T (NM_001354253.2, NM_001354270.2); c.4166-2502C>T (NM_001354257.2, NM_001386156.1); c.4241-2502C>T (NM_001354249.2, NM_001354266.2, NM_001354276.2 and 2 more transcripts); c.4208-2502C>T (NM_001386146.1, NM_001386150.1, NM_001386149.1 and 1 more transcripts); c.4193-2502C>T (NM_001354274.2, NM_001386154.1); c.4142-2502C>T (NM_001386151.1, NM_001354260.2, NM_001354271.2); and 36 more; short protein forms P3235S, P2035S, P3157S, P3274S, P3282S.
Identifiers: ClinVar variation 928632 (VCV000928632.12), dbSNP rs202098889, ClinGen allele CA3051970.

ClinVar aggregate classification (germline): Conflicting classifications of pathogenicity. Review status: criteria provided, conflicting classifications (1 of 4 stars). 4 submissions from 4 submitters: Uncertain significance (3); Likely benign (1). Last evaluated 2025-08-11.

Conditions:
Long QT syndrome (LQTS). Identifiers: MedGen C0023976, MeSH D008133, MONDO:0002442. Disease mechanism: loss of function. Inheritance: Various modes of inheritance.
Cardiovascular phenotype. Identifiers: MedGen CN230736.

Allele frequency attached by ClinVar (database versions not stated): gnomAD exomes 0.00001; TOPMed 0.00001; ExAC 0.00002; gnomAD 0.00002 and 0.00003; 1000 Genomes Project 0.00020; 1000 Genomes Project 30x 0.00031.
gnomAD v4.1: 15 of 1,613,434 alleles (0.00093%); highest among the groups gnomAD compares: Admixed American, 0.025%; no homozygotes.

Submissions (4):

Ambry Genetics
Classification: Uncertain significance for Cardiovascular phenotype. Last evaluated: 2025-08-11. Review status: criteria provided, single submitter. Criteria: Ambry Variant Classification Scheme 2023. Collection method: clinical testing. Allele origin: germline.

Molecular Diagnostic Laboratory for Inherited Cardiovascular Disease, Montreal Heart Institute
Classification: Likely benign. Last evaluated: 2025-04-09. Review status: criteria provided, single submitter. Criteria: ACMG Guidelines, 2015. Collection method: clinical testing. Allele origin: germline. Affected: no.
Comment: BP4

Labcorp Genetics (formerly Invitae), Labcorp
Classification: Uncertain significance for Long QT syndrome. Last evaluated: 2019-11-04. Review status: criteria provided, single submitter. Criteria: Invitae Variant Classification Sherloc (09022015). Collection method: clinical testing. Allele origin: germline.
Comment: In summary, the available evidence is currently insufficient to determine the role of this variant in disease. Therefore, it has been classified as a Variant of Uncertain Significance. Algorithms developed to predict the effect of missense changes on protein structure and function output the following: SIFT: "Tolerated"; PolyPhen-2: "Benign"; Align-GVGD: "Class C0". The serine amino acid residue is found in multiple mammalian species, suggesting that this missense change does not adversely affect protein function. These predictions have not been confirmed by published functional studies and their clinical significance is uncertain. This variant has not been reported in the literature in individuals with ANK2-related conditions. This variant is present in population databases (rs202098889, ExAC 0.02%). This sequence change replaces proline with serine at codon 3235 of the ANK2 protein (p.Pro3235Ser). The proline residue is weakly conserved and there is a moderate physicochemical difference between proline and serine.

Women's Health and Genetics/Laboratory Corporation of America, LabCorp
Classification: Uncertain significance. Last evaluated: 2019-10-08. Review status: criteria provided, single submitter. Criteria: LabCorp Variant Classification Summary - May 2015. Collection method: clinical testing. Allele origin: germline.
Comment: Variant summary: ANK2 c.9703C>T (p.Pro3235Ser) results in a non-conservative amino acid change in the encoded protein sequence. Four of five in-silico tools predict a benign effect of the variant on protein function. The variant allele was found at a frequency of 8e-06 in 250650 control chromosomes (gnomAD). The available data on variant occurrences in the general population are insufficient to allow any conclusion about variant significance. To our knowledge, no occurrence of c.9703C>T in individuals affected with Arrhythmia and no experimental evidence demonstrating an impact on protein function have been reported. No clinical diagnostic laboratories have submitted clinical-significance assessments for this variant to ClinVar after 2014. Based on the evidence outlined above, the variant was classified as uncertain significance.